The following is an entry in ClinVar:

Conditions:
Breast-ovarian cancer, familial, susceptibility to, 1 (BROVCA1). Also called: BRCA1 Hereditary Breast and Ovarian Cancer; OVARIAN CANCER, SUSCEPTIBILITY TO. Identifiers: Orphanet 145, MedGen C2676676, MONDO:0011450, OMIM 604370. Disease mechanism: loss of function.

Submission:

Brotman Baty Institute, University of Washington
No classification provided (evidence only). Condition: Breast-ovarian cancer, familial 1. Review status: no classification provided. Collection method: in vitro. Allele origin: not applicable. Functional consequence: functionally_normal.
ClinVar note: "not provided" was previously submitted as the classification for the variant. However, the classification appeared to be based only on an observation of functional data so it was converted to no classification on 2025-07-30.

NM_007294.4(BRCA1):c.5032A>C (p.Asn1678His)

Gene: BRCA1 (BRCA1 DNA repair associated; minus strand). Cytogenetic location: 17q21.31.
Variant type: single nucleotide variant.
Coding change: c.5032A>C on transcript NM_007294.4 (MANE Select); coding-DNA position 5032, A replaced by C.
Protein change: p.Asn1678His; replaces asparagine 1678 with histidine.
Molecular consequence: missense variant. On other transcripts: non-coding transcript variant (1).
Genome position (GRCh38, 1-based): chr17:43,067,650, T>G on the plus strand (A>C on the coding strand, the complement: BRCA1 is on the minus strand). VCF-style: chr17-43067650-T-G. GRCh37 (hg19) VCF-style: chr17-41219667-T-G.
Other names: c.4819A>C, p.Asn1607His (NM_001407571.1, NM_001407900.1, NM_001407902.1 and 12 more transcripts); c.5098A>C, p.Asn1700His (NM_001407581.1, NM_001407582.1); c.5095A>C, p.Asn1699His (NM_001407583.1, NM_001407585.1, NM_001407587.1 and 1 more transcripts); c.5029A>C, p.Asn1677His (NM_001407610.1, NM_001407611.1, NM_001407612.1 and 17 more transcripts); c.5026A>C, p.Asn1676His (NM_001407629.1, NM_001407630.1, NM_001407631.1 and 14 more transcripts); c.4972A>C, p.Asn1658His (NM_001407649.1); c.5032A>C, p.Asn1678His (NM_001407652.1, NM_001407593.1, NM_001407594.1 and 8 more transcripts); c.4954A>C, p.Asn1652His (NM_001407653.1, NM_001407654.1, NM_001407655.1); and 70 more; short protein forms N1631H, N574H, N1678H, N1699H, N1382H, N1524H, N1551H, N1565H.
Identifiers: ClinVar variation 865552 (VCV000865552.3), dbSNP rs2052174148, ClinGen allele CA10591454.